The following is an entry in ClinVar:

NM_000059.4(BRCA2):c.4855A>C (p.Asn1619His)

Gene: BRCA2 (BRCA2 DNA repair associated; plus strand). Cytogenetic location: 13q13.1.
Variant type: single nucleotide variant.
Coding change: c.4855A>C on transcript NM_000059.4 (MANE Select); coding-DNA position 4855, A replaced by C.
Protein change: p.Asn1619His; replaces asparagine 1619 with histidine.
Molecular consequence: missense variant. On other transcripts: non-coding transcript variant (1), intron variant (2).
Genome position (GRCh38, 1-based): chr13:32,339,210, A>C. VCF-style: chr13-32339210-A-C. GRCh37 (hg19) VCF-style: chr13-32913347-A-C.
Other names: c.4855A>C, p.Asn1619His (NM_001406719.1, NM_001406720.1, NM_001432077.1); c.1910-5348A>C (NM_001406721.1); c.425-5348A>C (NM_001406722.1); short protein forms N1619H.
Identifiers: ClinVar variation 4802307 (VCV004802307.1).

ClinVar aggregate classification (germline): Uncertain significance (1 of 4 stars; one submission).

Conditions:
Hereditary breast ovarian cancer syndrome. Also called: Hereditary breast and ovarian cancer syndrome (HBOC); Hereditary breast and ovarian cancer; Breast and ovarian cancer; Hereditary breast and/or ovarian cancer syndrome; BRCA1- and BRCA2-Associated Hereditary Breast and Ovarian Cancer; Hereditary breast and ovarian cancer syndrome. Identifiers: Orphanet 145, MedGen C0677776, MeSH D061325, MONDO:0003582. Disease mechanism: loss of function.

Submission:

Labcorp Genetics (formerly Invitae), Labcorp
Classification: Uncertain significance for Hereditary breast ovarian cancer syndrome. Last evaluated: 2025-03-16. Review status: criteria provided, single submitter. Criteria: Invitae Variant Classification Sherloc (09022015). Collection method: clinical testing. Allele origin: germline.
Comment: This sequence change replaces asparagine, which is neutral and polar, with histidine, which is basic and polar, at codon 1619 of the BRCA2 protein (p.Asn1619His). This variant is not present in population databases (gnomAD no frequency). This variant has not been reported in the literature in individuals affected with BRCA2-related conditions. Invitae Evidence Modeling of protein sequence and biophysical properties (such as structural, functional, and spatial information, amino acid conservation, physicochemical variation, residue mobility, and thermodynamic stability) indicates that this missense variant is not expected to disrupt BRCA2 protein function with a negative predictive value of 95%. In summary, the available evidence is currently insufficient to determine the role of this variant in disease. Therefore, it has been classified as a Variant of Uncertain Significance.